The following is an entry in ClinVar:

NM_000051.4(ATM):c.5745del (p.Asp1914_Tyr1915insTer)

Gene: ATM (ATM serine/threonine kinase; plus strand). Cytogenetic location: 11q22.3.
Variant type: Deletion.
Coding change: c.5745del on transcript NM_000051.4 (MANE Select); coding-DNA position 5745, one base deleted (C; older notation c.5745delC).
Protein change: p.Asp1914_Tyr1915insTer.
Molecular consequence: nonsense.
Genome position (GRCh38, 1-based): chr11:108,307,967, C deleted. VCF-style (leftmost placement, unchanged base first): chr11-108307966-AC-A. GRCh37 (hg19) VCF-style: chr11-108178693-AC-A.
Other names: c.5745delC (NM_000051.3); c.5745del, p.Asp1914_Tyr1915insTer (NM_001351834.2).
Identifiers: ClinVar variation 546058 (VCV000546058.13), dbSNP rs1555109147, ClinGen allele CA658822137.

ClinVar aggregate classification (germline): Pathogenic/Likely pathogenic. Review status: criteria provided, multiple submitters, no conflicts (2 of 4 stars). 5 submissions from 5 submitters: Pathogenic (4); Likely pathogenic (1). Last evaluated 2025-08-26.

Conditions:
Hereditary cancer-predisposing syndrome. Also called: Neoplastic Syndromes, Hereditary; Hereditary neoplastic syndrome; Tumor predisposition; Hereditary Cancer Syndrome. Identifiers: Orphanet 140162, MedGen C0027672, MeSH D009386, MONDO:0015356.
Familial cancer of breast. Also called: BREAST CANCER, FAMILIAL; Hereditary breast cancer; hereditary breast carcinoma. Identifiers: Orphanet 227535, MedGen C0346153, MONDO:0016419, OMIM 114480. Disease mechanism: loss of function.
Ataxia-telangiectasia syndrome (AT). Also called: Ataxia-telangiectasia, complementation group D; ATAXIA-TELANGIECTASIA, COMPLEMENTATION GROUP A; ATAXIA-TELANGIECTASIA, FRESNO VARIANT; Ataxia-telangiectasia; LOUIS-BAR SYNDROME; AT, COMPLEMENTATION GROUP C. Identifiers: Orphanet 100, MedGen C0004135, MONDO:0008840, OMIM 208900.

Submissions (5):

Myriad Genetics, Inc.
Classification: Pathogenic for Familial cancer of breast. Last evaluated: 2025-08-26. Review status: criteria provided, single submitter. Criteria: Myriad Autosomal Dominant, Autosomal Recessive and X-Linked Classification Criteria (2023). Collection method: clinical testing. Allele origin: unknown.
Comment: This variant is considered pathogenic. This variant creates a termination codon and is predicted to result in premature protein truncation.

Labcorp Genetics (formerly Invitae), Labcorp
Classification: Pathogenic for Ataxia-telangiectasia syndrome. Last evaluated: 2021-08-27. Review status: criteria provided, single submitter. Criteria: Invitae Variant Classification Sherloc (09022015). Collection method: clinical testing. Allele origin: germline.
Comment: For these reasons, this variant has been classified as Pathogenic. ClinVar contains an entry for this variant (Variation ID: 546058). This variant has not been reported in the literature in individuals affected with ATM-related conditions. This variant is not present in population databases (ExAC no frequency). This sequence change creates a premature translational stop signal (p.Tyr1915*) in the ATM gene. It is expected to result in an absent or disrupted protein product. Loss-of-function variants in ATM are known to be pathogenic (PMID: 23807571, 25614872).

Color Diagnostics, LLC DBA Color Health
Classification: Pathogenic for Hereditary cancer-predisposing syndrome. Last evaluated: 2021-08-03. Review status: criteria provided, single submitter. Criteria: ACMG Guidelines, 2015. Collection method: clinical testing. Allele origin: germline.
Comment: This variant deletes 1 nucleotide in exon 38 of the ATM gene, creating a frameshift and premature translation stop signal. This variant is expected to result in an absent or non-functional protein product. To our knowledge, this variant has not been reported in individuals affected with hereditary cancer in the literature. This variant has not been identified in the general population by the Genome Aggregation Database (gnomAD). Loss of ATM function is a known mechanism of disease. Based on the available evidence, this variant is classified as Pathogenic.

Ambry Genetics
Classification: Pathogenic for Hereditary cancer-predisposing syndrome. Last evaluated: 2021-02-25. Review status: criteria provided, single submitter. Criteria: Ambry Variant Classification Scheme 2023. Collection method: clinical testing. Allele origin: germline.
Comment: The c.5745delC pathogenic mutation, located in coding exon 37 of the ATM gene, results from a deletion of one nucleotide at nucleotide position 5745, causing a translational frameshift with a predicted alternate stop codon (p.Y1915*). This alteration is expected to result in loss of function by premature protein truncation or nonsense-mediated mRNA decay. As such, this alteration is interpreted as a disease-causing mutation.

GeneDx
Classification: Likely pathogenic. Last evaluated: 2018-01-31. Review status: criteria provided, single submitter. Criteria: GeneDx Variant Classification (06012015). Collection method: clinical testing. Allele origin: germline. Affected: yes.
Comment: This deletion of one nucleotide is denoted ATM c.5745delC at the cDNA level and p.Tyr1915Ter (Y1915X) at the protein level. The normal sequence, with the base that is deleted in brackets, is ACTA[delC]ATGA. The deletion creates a nonsense variant, which changes a Tyrosine to a premature stop codon. Although this variant has not, to our knowledge, been reported in the literature, it is predicted to cause loss of normal protein function through either protein truncation or nonsense-mediated mRNA decay. We consider ATM c.5745delC to be likely pathogenic.

Literature cited by the submitters: PubMed 23807571 (cited by Labcorp Genetics (formerly Invitae), Labcorp); PubMed 25614872 (cited by Labcorp Genetics (formerly Invitae), Labcorp).